The following is an entry in ClinVar:

ClinVar aggregate classification (germline): Uncertain significance. Review status: criteria provided, multiple submitters, no conflicts (2 of 4 stars). 2 submissions from 2 submitters: Uncertain significance (2). Last evaluated 2025-01-13.

Conditions:
RPS6KA3-related disorder. Also called: RPS6KA3-related condition.

Submissions (2):

PreventionGenetics, part of Exact Sciences
Classification: Uncertain significance for RPS6KA3-related condition. Last evaluated: 2025-01-13. Review status: criteria provided, single submitter. Criteria: ACMG Guidelines, 2015. Collection method: clinical testing. Allele origin: germline.
Comment: The RPS6KA3 c.1381A>G variant is predicted to result in the amino acid substitution p.Thr461Ala. To our knowledge, this variant has not been reported in the literature or in a large population database (gnomAD), indicating this variant is rare. At this time, the clinical significance of this variant is uncertain due to the absence of conclusive functional and genetic evidence.

GeneDx
Classification: Uncertain significance. Last evaluated: 2017-02-09. Review status: criteria provided, single submitter. Criteria: GeneDx Variant Classification (06012015). Collection method: clinical testing. Allele origin: germline. Affected: yes.
Comment: The T461A variant has not been published as a pathogenic variant, nor has it been reported as a benign variant to our knowledge. The T461A variant is not observed in large population cohorts (Lek et al., 2016; 1000 Genomes Consortium et al., 2015; Exome Variant Server). The T461A variant is a non-conservative amino acid substitution that occurs at a position where amino acids with similar properties to Threonine are tolerated across species. In silico analysis is inconsistent in its predictions as to whether or not the variant is damaging to the protein structure/function. Therefore, based on the currently available information, it is unclear whether this variant is a pathogenic variant or a rare benign variant.

NM_004586.3(RPS6KA3):c.1381A>G (p.Thr461Ala)

Gene: RPS6KA3 (ribosomal protein S6 kinase A3; minus strand). Cytogenetic location: Xp22.12.
Variant type: single nucleotide variant.
Coding change: c.1381A>G on transcript NM_004586.3 (MANE Select); coding-DNA position 1381, A replaced by G.
Protein change: p.Thr461Ala; replaces threonine 461 with alanine.
Molecular consequence: missense variant.
Genome position (GRCh38, 1-based): chrX:20,169,464, T>C on the plus strand (A>G on the coding strand, the complement: RPS6KA3 is on the minus strand). VCF-style: chrX-20169464-T-C. GRCh37 (hg19) VCF-style: chrX-20187582-T-C.
Other names: short protein forms T461A.
Identifiers: ClinVar variation 423377 (VCV000423377.3), dbSNP rs1064796388, ClinGen allele CA16621295.